The following is an entry in ClinVar:

ClinVar aggregate classification (germline): Uncertain significance (1 of 4 stars; one submission).

Conditions:
CACNA2D3-related disorder. Also called: CACNA2D3-related condition.

Allele frequency attached by ClinVar (database versions not stated): ExAC 0.00001; ESP Exome Variant Server 0.00008.
gnomAD v4.1: 3 of 1,612,942 alleles (0.00019%); highest among the groups gnomAD compares: Non-Finnish European, 0.00025%; no homozygotes.

Submission:

PreventionGenetics, part of Exact Sciences
Classification: Uncertain significance for CACNA2D3-related condition. Last evaluated: 2023-01-13. Review status: criteria provided, single submitter. Criteria: ACMG Guidelines, 2015. Collection method: clinical testing. Allele origin: germline.
Comment: The CACNA2D3 c.2948A>G variant is predicted to result in the amino acid substitution p.Lys983Arg. To our knowledge, this variant has not been reported in the literature. This variant is reported in 0.0% of alleles in individuals of African descent in gnomAD. At this time, the clinical significance of this variant is uncertain due to the absence of conclusive functional and genetic evidence.

NM_018398.3(CACNA2D3):c.2948A>G (p.Lys983Arg)

Gene: CACNA2D3 (calcium voltage-gated channel auxiliary subunit alpha2delta 3; plus strand). Cytogenetic location: 3p14.3.
Variant type: single nucleotide variant.
Coding change: c.2948A>G on transcript NM_018398.3 (MANE Select); coding-DNA position 2948, A replaced by G.
Protein change: p.Lys983Arg; replaces lysine 983 with arginine.
Molecular consequence: missense variant.
Genome position (GRCh38, 1-based): chr3:55,018,278, A>G. VCF-style: chr3-55018278-A-G. GRCh37 (hg19) VCF-style: chr3-55052305-A-G.
Other names: short protein forms K983R.
Identifiers: ClinVar variation 2631925 (VCV002631925.1), dbSNP rs368830181, ClinGen allele CA2458763.